The following is an entry in ClinVar:

NM_001042517.2(DIAPH3):c.2494A>T (p.Lys832Ter)

Gene: DIAPH3 (diaphanous related formin 3; minus strand). Cytogenetic location: 13q21.2.
Variant type: single nucleotide variant.
Coding change: c.2494A>T on transcript NM_001042517.2 (MANE Select); coding-DNA position 2494, A replaced by T.
Protein change: p.Lys832Ter; replaces lysine 832 with a stop codon.
Molecular consequence: nonsense.
Genome position (GRCh38, 1-based): chr13:59,879,342, T>A on the plus strand (A>T on the coding strand, the complement: DIAPH3 is on the minus strand). VCF-style: chr13-59879342-T-A. GRCh37 (hg19) VCF-style: chr13-60453476-T-A.
Other names: c.2461A>T, p.Lys821Ter (NM_001258366.2); c.2356A>T, p.Lys786Ter (NM_001258367.2); c.2284A>T, p.Lys762Ter (NM_001258368.2); c.2494A>T, p.Lys832Ter (NM_001258369.2); c.1705A>T, p.Lys569Ter (NM_001258370.2, NM_030932.4); short protein forms K762*, K832*, K569*, K786*, K821*.
Identifiers: ClinVar variation 2965854 (VCV002965854.3), dbSNP rs1213257233, ClinGen allele CA388330285.

ClinVar aggregate classification (germline): Uncertain significance (1 of 4 stars; one submission).

Allele frequency attached by ClinVar (database versions not stated): gnomAD exomes below 0.00001; gnomAD 0.00001.
gnomAD v4.1: 2 of 1,613,812 alleles (0.00012%); highest among the groups gnomAD compares: Admixed American, 0.0017%; no homozygotes.

Submission:

Labcorp Genetics (formerly Invitae), Labcorp
Classification: Uncertain significance. Last evaluated: 2023-07-17. Review status: criteria provided, single submitter. Criteria: Invitae Variant Classification Sherloc (09022015). Collection method: clinical testing. Allele origin: germline.
Comment: In summary, the available evidence is currently insufficient to determine the role of this variant in disease. Therefore, it has been classified as a Variant of Uncertain Significance. This variant has not been reported in the literature in individuals affected with DIAPH3-related conditions. This variant is present in population databases (no rsID available, gnomAD 0.003%). This sequence change creates a premature translational stop signal (p.Lys832*) in the DIAPH3 gene. It is expected to result in an absent or disrupted protein product. However, the current clinical and genetic evidence is not sufficient to establish whether loss-of-function variants in DIAPH3 cause disease.